The following is an entry in ClinVar:

NM_005732.4(RAD50):c.2173C>G (p.Arg725Gly)

Gene: RAD50 (RAD50 double strand break repair protein; plus strand). Cytogenetic location: 5q31.1.
Variant type: single nucleotide variant.
Coding change: c.2173C>G on transcript NM_005732.4 (MANE Select); coding-DNA position 2173, C replaced by G.
Protein change: p.Arg725Gly; replaces arginine 725 with glycine.
Molecular consequence: missense variant.
Genome position (GRCh38, 1-based): chr5:132,595,776, C>G. VCF-style: chr5-132595776-C-G. GRCh37 (hg19) VCF-style: chr5-131931468-C-G.
Other names: short protein forms R725G.
Identifiers: ClinVar variation 971446 (VCV000971446.10), dbSNP rs369560280, ClinGen allele CA360950663.
Genomic context (GRCh38, chr5:132,595,776, plus strand): 5'-CTGCGACTTGCTCCAGATAAACTCAAGTCAACAGAATCAGAGCTAAAAAAAAAGGAAAAG[C>G]GGCGTGATGAAATGCTGGGACTTGTGCCCATGAGGTAAGAATGGGATTTACCTTCACTGT-3'
Protein context (NP_005723.2, residues 715-735): TESELKKKEK[Arg725Gly]RDEMLGLVPM

ClinVar aggregate classification (germline): Uncertain significance (1 of 4 stars; one submission).

Conditions:
Hereditary cancer-predisposing syndrome. Also called: Neoplastic Syndromes, Hereditary; Hereditary Cancer Syndrome; Tumor predisposition; Hereditary neoplastic syndrome. Identifiers: Orphanet 140162, MedGen C0027672, MeSH D009386, MONDO:0015356.

Submission:

Labcorp Genetics (formerly Invitae), Labcorp
Classification: Uncertain significance for Hereditary cancer-predisposing syndrome. Last evaluated: 2019-10-21. Review status: criteria provided, single submitter. Criteria: Invitae Variant Classification Sherloc (09022015). Collection method: clinical testing. Allele origin: germline.
Comment: In summary, the available evidence is currently insufficient to determine the role of this variant in disease. Therefore, it has been classified as a Variant of Uncertain Significance. This sequence change replaces arginine with glycine at codon 725 of the RAD50 protein (p.Arg725Gly). The arginine residue is moderately conserved and there is a moderate physicochemical difference between arginine and glycine. This variant is not present in population databases (ExAC no frequency). This variant has not been reported in the literature in individuals with RAD50-related conditions. Algorithms developed to predict the effect of missense changes on protein structure and function (SIFT, PolyPhen-2, Align-GVGD) all suggest that this variant is likely to be tolerated, but these predictions have not been confirmed by published functional studies and their clinical significance is uncertain.